The following is an entry in ClinVar:

NM_003872.3(NRP2):c.2427G>A (p.Val809=)

Gene: NRP2 (neuropilin 2; plus strand). Cytogenetic location: 2q33.3.
Variant type: single nucleotide variant.
Coding change: c.2427G>A on transcript NM_003872.3 (MANE Select); coding-DNA position 2427, G replaced by A.
Protein change: p.Val809=; no amino-acid change (valine 809 retained).
Molecular consequence: synonymous variant. On other transcripts: intron variant (1).
Genome position (GRCh38, 1-based): chr2:205,792,236, G>A. VCF-style: chr2-205792236-G-A. GRCh37 (hg19) VCF-style: chr2-206656960-G-A.
Other names: c.2442G>A, p.Val814= (NM_201266.2); c.2426-2518G>A (NM_201279.2).
Identifiers: ClinVar variation 4997827 (VCV004997827.1).
Genomic context (GRCh38, chr2:205,792,236, plus strand): 5'-CTTTTAGCCATGGTGATAGAACTTGTTATTAACTTGTTTTTATTTTCTTTATATTATAGT[G>A]GACATCCCAGAAATACATGAGAGAGAAGGATATGAAGATGAAATTGATGGTGAGTACTGT-3'
Protein context (NP_003863.2, residues 799-819): NCMEPISAFA[Val809=]DIPEIHEREG

ClinVar aggregate classification (germline): Uncertain significance (1 of 4 stars; one submission).

Conditions:
NRP2-related disorder. Also called: NRP2-related condition.

Submission:

PreventionGenetics, part of Exact Sciences
Classification: Uncertain significance for NRP2-related condition. Last evaluated: 2025-03-10. Review status: criteria provided, single submitter. Criteria: ACMG Guidelines, 2015. Collection method: clinical testing. Allele origin: germline.
Comment: The NRP2 c.2442G>A variant is not predicted to result in an amino acid change (p.=). This variant is predicted to alter splicing based on available splicing prediction programs (SpliceAI, Jaganathan et al. 2019. PubMed ID: 30661751). However, the use of computer prediction programs is not equivalent to functional evidence. To our knowledge, this variant has not been reported in the literature or in a large population database (gnomAD), indicating this variant is rare. At this time, the clinical significance of this variant is uncertain due to the absence of conclusive functional and genetic evidence.